The following is an entry in ClinVar:

NM_020738.4(KIDINS220):c.4388C>G (p.Ser1463Ter)

Gene: KIDINS220 (kinase D interacting substrate 220; minus strand). Cytogenetic location: 2p25.1.
Variant type: single nucleotide variant.
Coding change: c.4388C>G on transcript NM_020738.4 (MANE Select); coding-DNA position 4388, C replaced by G.
Protein change: p.Ser1463Ter; replaces serine 1463 with a stop codon.
Molecular consequence: nonsense. On other transcripts: intron variant (6).
Genome position (GRCh38, 1-based): chr2:8,731,648, G>C on the plus strand (C>G on the coding strand, the complement: KIDINS220 is on the minus strand). VCF-style: chr2-8731648-G-C. GRCh37 (hg19) VCF-style: chr2-8871778-G-C.
Other names: c.4391C>G, p.Ser1464Ter (NM_001348729.2); c.4334C>G, p.Ser1445Ter (NM_001348731.2); c.4331C>G, p.Ser1444Ter (NM_001348732.2); c.4220C>G, p.Ser1407Ter (NM_001348734.2); c.4217C>G, p.Ser1406Ter (NM_001348735.2); c.4091C>G, p.Ser1364Ter (NM_001348736.2); c.3882+1796C>G (NM_001348741.2, NM_001348742.2, NM_001348743.2); c.3996+1796C>G (NM_001348738.2); and 1 more; short protein forms S1364*, S1406*, S1407*, S1444*, S1445*, S1463*, S1464*.
Identifiers: ClinVar variation 3769798 (VCV003769798.1).

ClinVar aggregate classification (germline): Pathogenic (1 of 4 stars; one submission).

Submission:

GeneDx
Classification: Pathogenic. Last evaluated: 2024-09-16. Review status: criteria provided, single submitter. Criteria: GeneDx Variant Classification Process June 2021. Collection method: clinical testing. Allele origin: germline. Affected: yes.
Comment: Nonsense variant predicted to result in protein truncation, as the last 309 amino acids are lost, and other loss-of-function variants have been reported downstream in HGMD; Not observed at significant frequency in large population cohorts (gnomAD); This variant is associated with the following publications: (PMID: 33057194, 35982159)